The following is an entry in ClinVar:

ClinVar aggregate classification (germline): Uncertain significance. Review status: criteria provided, multiple submitters, no conflicts (2 of 4 stars). 3 submissions from 3 submitters: Uncertain significance (3). Last evaluated 2024-12-12.

Allele frequency attached by ClinVar (database versions not stated): TOPMed below 0.00001.
gnomAD v4.1: 1 of 1,612,974 alleles (0.000062%); highest among the groups gnomAD compares: South Asian, 0.0011%; no homozygotes.

Submissions (3):

Ambry Genetics
Classification: Uncertain significance. Last evaluated: 2024-12-12. Review status: criteria provided, single submitter. Criteria: Ambry Variant Classification Scheme 2023. Collection method: clinical testing. Allele origin: germline.

Labcorp Genetics (formerly Invitae), Labcorp
Classification: Uncertain significance. Last evaluated: 2023-09-25. Review status: criteria provided, single submitter. Criteria: Invitae Variant Classification Sherloc (09022015). Collection method: clinical testing. Allele origin: germline.
Comment: This sequence change replaces asparagine, which is neutral and polar, with histidine, which is basic and polar, at codon 15 of the LAMTOR2 protein (p.Asn15His). This variant is not present in population databases (gnomAD no frequency). This variant has not been reported in the literature in individuals affected with LAMTOR2-related conditions. ClinVar contains an entry for this variant (Variation ID: 1502557). An algorithm developed to predict the effect of missense changes on protein structure and function (PolyPhen-2) suggests that this variant is likely to be disruptive. In summary, the available evidence is currently insufficient to determine the role of this variant in disease. Therefore, it has been classified as a Variant of Uncertain Significance.

Blueprint Genetics
Classification: Uncertain significance. Last evaluated: 2022-05-04. Review status: criteria provided, single submitter. Criteria: ACMG Guidelines, 2015. Collection method: clinical testing. Allele origin: germline.

NM_014017.4(LAMTOR2):c.43A>C (p.Asn15His)

Gene: LAMTOR2 (late endosomal/lysosomal adaptor, MAPK and MTOR activator 2; plus strand). Cytogenetic location: 1q22.
Variant type: single nucleotide variant.
Coding change: c.43A>C on transcript NM_014017.4 (MANE Select); coding-DNA position 43, A replaced by C.
Protein change: p.Asn15His; replaces asparagine 15 with histidine.
Molecular consequence: missense variant.
Genome position (GRCh38, 1-based): chr1:156,054,932, A>C. VCF-style: chr1-156054932-A-C. GRCh37 (hg19) VCF-style: chr1-156024723-A-C.
Other names: c.43A>C (NM_014017.3); c.43A>C, p.Asn15His (NM_001145264.2); short protein forms N15H.
Identifiers: ClinVar variation 1502557 (VCV001502557.8), dbSNP rs760522881, ClinGen allele CA342814630.